The following is an entry in ClinVar:

NM_006231.4(POLE):c.1674C>A (p.Cys558Ter)

Gene: POLE (DNA polymerase epsilon, catalytic subunit; minus strand). Cytogenetic location: 12q24.33.
Variant type: single nucleotide variant.
Coding change: c.1674C>A on transcript NM_006231.4 (MANE Select); coding-DNA position 1674, C replaced by A.
Protein change: p.Cys558Ter; replaces cysteine 558 with a stop codon.
Molecular consequence: nonsense.
Genome position (GRCh38, 1-based): chr12:132,672,639, G>T on the plus strand (C>A on the coding strand, the complement: POLE is on the minus strand). VCF-style: chr12-132672639-G-T. GRCh37 (hg19) VCF-style: chr12-133249225-G-T.
Other names: short protein forms C558*.
Identifiers: ClinVar variation 2034618 (VCV002034618.4), dbSNP rs2135992770, ClinGen allele CA387356466.
Genomic context (GRCh38, chr12:132,672,639, plus strand): 5'-CCACAGCACAAGAGTGGGAAGAATCTGAATCCCAGGGAAGAAGCACACCATCCTAAACCG[G>T]CAAGGGATATCGCTGCGGAAAACCCCAGACTCGAGGGCCTCCACGTGGCCCCCGACGTAG-3'

ClinVar aggregate classification (germline): Pathogenic (1 of 4 stars; one submission).

Submission:

Labcorp Genetics (formerly Invitae), Labcorp
Classification: Pathogenic. Last evaluated: 2022-10-07. Review status: criteria provided, single submitter. Criteria: Invitae Variant Classification Sherloc (09022015). Collection method: clinical testing. Allele origin: germline.
Comment: For these reasons, this variant has been classified as Pathogenic. This variant has not been reported in the literature in individuals affected with POLE-related conditions. This variant is not present in population databases (gnomAD no frequency). This sequence change creates a premature translational stop signal (p.Cys558*) in the POLE gene. It is expected to result in an absent or disrupted protein product. Loss-of-function variants in POLE are known to be pathogenic (PMID: 23230001, 25948378, 30503519).

Literature cited by the submitters: PubMed 23230001; PubMed 25948378; PubMed 30503519.